The following is an entry in ClinVar:

NM_138713.4(NFAT5):c.2183A>G (p.Gln728Arg)

Gene: NFAT5 (nuclear factor of activated T cells 5; plus strand). Cytogenetic location: 16q22.1.
Variant type: single nucleotide variant.
Coding change: c.2183A>G on transcript NM_138713.4 (MANE Select); coding-DNA position 2183, A replaced by G.
Protein change: p.Gln728Arg; replaces glutamine 728 with arginine.
Molecular consequence: missense variant.
Genome position (GRCh38, 1-based): chr16:69,692,008, A>G. VCF-style: chr16-69692008-A-G. GRCh37 (hg19) VCF-style: chr16-69725911-A-G.
Other names: c.2180A>G, p.Gln727Arg (NM_001113178.3); c.1508A>G, p.Gln503Arg (NM_001367709.1); c.2129A>G, p.Gln710Arg (NM_006599.4); c.1901A>G, p.Gln634Arg (NM_138714.4, NM_173214.3, NM_173215.3); c.2183A>G (NM_138713.3); short protein forms Q503R, Q634R, Q710R, Q727R, Q728R.
Identifiers: ClinVar variation 3624889 (VCV003624889.3).

ClinVar aggregate classification (germline): Uncertain significance. Review status: criteria provided, multiple submitters, no conflicts (2 of 4 stars). 2 submissions from 2 submitters: Uncertain significance (2). Last evaluated 2025-04-21.

Conditions:
Immunodeficiency. Identifiers: MedGen C0021051, MONDO:0021094, HP:0002721.

gnomAD v4.1: 18 of 1,614,094 alleles (0.0011%); highest among the groups gnomAD compares: Admixed American, 0.005%; no homozygotes.

Submissions (2):

Ambry Genetics
Classification: Uncertain significance. Last evaluated: 2025-04-21. Review status: criteria provided, single submitter. Criteria: Ambry Variant Classification Scheme 2023. Collection method: clinical testing. Allele origin: germline.

Labcorp Genetics (formerly Invitae), Labcorp
Classification: Uncertain significance for Immunodeficiency. Last evaluated: 2024-10-05. Review status: criteria provided, single submitter. Criteria: Invitae Variant Classification Sherloc (09022015). Collection method: clinical testing. Allele origin: germline.
Comment: This sequence change replaces glutamine, which is neutral and polar, with arginine, which is basic and polar, at codon 634 of the NFAT5 protein (p.Gln634Arg). This variant is present in population databases (rs146988718, gnomAD 0.009%). This variant has not been reported in the literature in individuals affected with NFAT5-related conditions. An algorithm developed to predict the effect of missense changes on protein structure and function (PolyPhen-2) suggests that this variant is likely to be tolerated. In summary, the available evidence is currently insufficient to determine the role of this variant in disease. Therefore, it has been classified as a Variant of Uncertain Significance.